The following is an entry in ClinVar:

NM_020937.4(FANCM):c.3732_3735dup (p.Leu1246fs)

Gene: FANCM (FA complementation group M; plus strand). Cytogenetic location: 14q21.2.
Variant type: Duplication.
Coding change: c.3732_3735dup on transcript NM_020937.4 (MANE Select); coding-DNA positions 3732 to 3735, 4 bases duplicated (AATA; older notation c.3732_3735dupAATA).
Protein change: p.Leu1246fs; shifts the reading frame from leucine 1246.
Molecular consequence: frameshift variant.
Genome position (GRCh38, 1-based): chr14:45,176,486-45,176,489, AATA duplicated; duplicating any 4 consecutive bases within chr14:45,176,485-45,176,489 gives the same sequence; the c. name uses the placement nearest the transcript's 3' end. VCF-style (leftmost placement, unchanged base first): chr14-45176484-G-GAAAT. GRCh37 (hg19) VCF-style: chr14-45645687-G-GAAAT.
Other names: c.3654_3657dup, p.Leu1220fs (NM_001308133.2); short protein forms L1246fs, L1220fs.
Identifiers: ClinVar variation 1456843 (VCV001456843.6), dbSNP rs1159078705, ClinGen allele CA706102365.

ClinVar aggregate classification (germline): Pathogenic (1 of 4 stars; one submission).

Conditions:
Fanconi anemia (FA). Also called: Fanconi's anemia. Identifiers: Orphanet 84, MedGen C0015625, MeSH D005199, MONDO:0019391.

Submission:

Labcorp Genetics (formerly Invitae), Labcorp
Classification: Pathogenic for Fanconi anemia. Last evaluated: 2022-07-13. Review status: criteria provided, single submitter. Criteria: Invitae Variant Classification Sherloc (09022015). Collection method: clinical testing. Allele origin: germline.
Comment: ClinVar contains an entry for this variant (Variation ID: 1456843). This premature translational stop signal has been observed in individual(s) with breast cancer (PMID: 32427313). This variant is not present in population databases (gnomAD no frequency). This sequence change creates a premature translational stop signal (p.Leu1246Asnfs*8) in the FANCM gene. It is expected to result in an absent or disrupted protein product. Loss-of-function variants in FANCM are known to be pathogenic (PMID: 29895858, 30075111). For these reasons, this variant has been classified as Pathogenic.

Literature cited by the submitters: PubMed 32427313; PubMed 29895858; PubMed 30075111.